The following is an entry in ClinVar:

NM_001282933.2(ZNF341):c.2396C>T (p.Ala799Val)

Genes: ZNF341 (zinc finger protein 341; plus strand), ZNF341-AS1 (ZNF341 antisense RNA 1; minus strand). Cytogenetic location: 20q11.22.
Variant type: single nucleotide variant.
Coding change: c.2396C>T on transcript NM_001282933.2 (MANE Select); coding-DNA position 2396, C replaced by T.
Protein change: p.Ala799Val; replaces alanine 799 with valine.
Molecular consequence: missense variant. On other transcripts: non-coding transcript variant (1).
Genome position (GRCh38, 1-based): chr20:33,791,348, C>T. VCF-style: chr20-33791348-C-T. GRCh37 (hg19) VCF-style: chr20-32379154-C-T.
Other names: c.2375C>T (NM_032819.3); c.2126C>T, p.Ala709Val (NM_001282935.2); c.2375C>T, p.Ala792Val (NM_032819.5); short protein forms A792V, A709V, A799V.
Identifiers: ClinVar variation 1421330 (VCV001421330.7), dbSNP rs775677450, ClinGen allele CA9819792.
Genomic context (GRCh38, chr20:33,791,348, plus strand): 5'-CAGGGGCTGGGCTGGTGCCCGAGGCTGTCCCCGGCAAGCCGCCCTTCGCAGAGCCGGACG[C>T]GGTGCTGTCCATCGTTGTGGGTGGTGCGGTGGGCGCGGAAACTGAGCTGGTGGTACCTGG-3'
Protein context (NP_001269862.1, residues 789-809): PGKPPFAEPD[Ala799Val]VLSIVVGGAV

ClinVar aggregate classification (germline): Uncertain significance. Review status: criteria provided, multiple submitters, no conflicts (2 of 4 stars). 2 submissions from 2 submitters: Uncertain significance (2). Last evaluated 2025-04-20.

Allele frequency attached by ClinVar (database versions not stated): gnomAD 0.00001; gnomAD exomes 0.00001 and 0.00002; ExAC 0.00002; TOPMed 0.00003.
gnomAD v4.1: 15 of 1,612,068 alleles (0.00093%); highest among the groups gnomAD compares: South Asian, 0.0033%; no homozygotes.

Submissions (2):

Labcorp Genetics (formerly Invitae), Labcorp
Classification: Uncertain significance. Last evaluated: 2025-04-20. Review status: criteria provided, single submitter. Criteria: Invitae Variant Classification Sherloc (09022015). Collection method: clinical testing. Allele origin: germline.
Comment: This sequence change replaces alanine, which is neutral and non-polar, with valine, which is neutral and non-polar, at codon 792 of the ZNF341 protein (p.Ala792Val). This variant is present in population databases (rs775677450, gnomAD 0.01%). This variant has not been reported in the literature in individuals affected with ZNF341-related conditions. ClinVar contains an entry for this variant (Variation ID: 1421330). An algorithm developed to predict the effect of missense changes on protein structure and function (PolyPhen-2) suggests that this variant is likely to be disruptive. In summary, the available evidence is currently insufficient to determine the role of this variant in disease. Therefore, it has been classified as a Variant of Uncertain Significance.

Ambry Genetics
Classification: Uncertain significance. Last evaluated: 2021-08-12. Review status: criteria provided, single submitter. Criteria: Ambry Variant Classification Scheme 2023. Collection method: clinical testing. Allele origin: germline.